The following is an entry in ClinVar:

ClinVar aggregate classification (germline): Likely benign (1 of 4 stars; one submission).

Allele frequency attached by ClinVar (database versions not stated): gnomAD 0.00038; TOPMed 0.00039; ExAC 0.00041; gnomAD exomes 0.00046; ESP Exome Variant Server 0.00054.

Submission:

CeGaT Center for Human Genetics Tuebingen
Classification: Likely benign. Last evaluated: 2023-02-01. Review status: criteria provided, single submitter. Criteria: CeGaT Center For Human Genetics Tuebingen Variant Classification Criteria Version 2. Collection method: clinical testing. Allele origin: germline. Affected: yes. Observed: 1 variant allele.
Comment: FBXW12: BP4, BP7

NM_207102.2(FBXW12):c.840A>G (p.Pro280=)

Gene: FBXW12 (F-box and WD repeat domain containing 12; plus strand). Cytogenetic location: 3p21.31.
Variant type: single nucleotide variant.
Coding change: c.840A>G on transcript NM_207102.2 (MANE Select); coding-DNA position 840, A replaced by G.
Protein change: p.Pro280=; no amino-acid change (proline 280 retained).
Molecular consequence: synonymous variant.
Genome position (GRCh38, 1-based): chr3:48,380,767, A>G. VCF-style: chr3-48380767-A-G. GRCh37 (hg19) VCF-style: chr3-48422257-A-G.
Other names: c.630A>G, p.Pro210= (NM_001159927.1); c.783A>G, p.Pro261= (NM_001159929.1).
Identifiers: ClinVar variation 2653787 (VCV002653787.24), dbSNP rs141069789, ClinGen allele CA2373404.